The following is an entry in ClinVar:

NM_017849.4(TMEM127):c.322C>A (p.Leu108Ile)

Gene: TMEM127 (transmembrane protein 127; minus strand). Cytogenetic location: 2q11.2.
Variant type: single nucleotide variant.
Coding change: c.322C>A on transcript NM_017849.4 (MANE Select); coding-DNA position 322, C replaced by A.
Protein change: p.Leu108Ile; replaces leucine 108 with isoleucine.
Molecular consequence: missense variant.
Genome position (GRCh38, 1-based): chr2:96,254,920, G>T on the plus strand (C>A on the coding strand, the complement: TMEM127 is on the minus strand). VCF-style: chr2-96254920-G-T. GRCh37 (hg19) VCF-style: chr2-96920658-G-T.
Other names: c.322C>A, p.Leu108Ile (NM_001193304.3); c.70C>A, p.Leu24Ile (NM_001407282.1, NM_001407283.1); short protein forms L24I, L108I.
Identifiers: ClinVar variation 5030909 (VCV005030909.1).

ClinVar aggregate classification (germline): Uncertain significance (1 of 4 stars; one submission).

Conditions:
Hereditary cancer-predisposing syndrome. Also called: Neoplastic Syndromes, Hereditary; Tumor predisposition; Hereditary neoplastic syndrome; Hereditary Cancer Syndrome. Identifiers: Orphanet 140162, MedGen C0027672, MeSH D009386, MONDO:0015356.

Submission:

Ambry Genetics
Classification: Uncertain significance for Hereditary cancer-predisposing syndrome. Last evaluated: 2026-07-06. Review status: criteria provided, single submitter. Criteria: Ambry Variant Classification Scheme 2023. Collection method: clinical testing. Allele origin: germline.
Comment: The p.L108I variant (also known as c.322C>A), located in coding exon 2 of the TMEM127 gene, results from a C to A substitution at nucleotide position 322. The leucine at codon 108 is replaced by isoleucine, an amino acid with highly similar properties. This amino acid position is conserved. In addition, the in silico prediction for this alteration is inconclusive. Based on the available evidence, the clinical significance of this variant remains unclear.